The following is an entry in ClinVar:

ClinVar aggregate classification (germline): Uncertain significance. Review status: criteria provided, multiple submitters, no conflicts (2 of 4 stars). 2 submissions from 2 submitters: Uncertain significance (2). Last evaluated 2025-06-08.

Conditions:
Hereditary cancer-predisposing syndrome. Also called: Tumor predisposition; Neoplastic Syndromes, Hereditary; Hereditary Cancer Syndrome; Hereditary neoplastic syndrome. Identifiers: Orphanet 140162, MedGen C0027672, MeSH D009386, MONDO:0015356.
Juvenile polyposis syndrome (JPS). Identifiers: Orphanet 2929, MedGen C0345893, MONDO:0017380, OMIM 174900.

Submissions (2):

Labcorp Genetics (formerly Invitae), Labcorp
Classification: Uncertain significance for Juvenile polyposis syndrome. Last evaluated: 2025-06-08. Review status: criteria provided, single submitter. Criteria: Invitae Variant Classification Sherloc (09022015). Collection method: clinical testing. Allele origin: germline.
Comment: This sequence change replaces glutamic acid, which is acidic and polar, with aspartic acid, which is acidic and polar, at codon 267 of the BMPR1A protein (p.Glu267Asp). This variant is not present in population databases (gnomAD no frequency). This variant has not been reported in the literature in individuals affected with BMPR1A-related conditions. ClinVar contains an entry for this variant (Variation ID: 1058352). Invitae Evidence Modeling of protein sequence and biophysical properties (such as structural, functional, and spatial information, amino acid conservation, physicochemical variation, residue mobility, and thermodynamic stability) indicates that this missense variant is not expected to disrupt BMPR1A protein function with a negative predictive value of 80%. In summary, the available evidence is currently insufficient to determine the role of this variant in disease. Therefore, it has been classified as a Variant of Uncertain Significance.

Ambry Genetics
Classification: Uncertain significance for Hereditary cancer-predisposing syndrome. Last evaluated: 2021-11-23. Review status: criteria provided, single submitter. Criteria: Ambry Variant Classification Scheme 2023. Collection method: clinical testing. Allele origin: germline.
Comment: The p.E267D variant (also known as c.801A>C), located in coding exon 7 of the BMPR1A gene, results from an A to C substitution at nucleotide position 801. The glutamic acid at codon 267 is replaced by aspartic acid, an amino acid with highly similar properties. This amino acid position is highly conserved in available vertebrate species. In addition, this alteration is predicted to be tolerated by in silico analysis. Since supporting evidence is limited at this time, the clinical significance of this alteration remains unclear.

NM_004329.3(BMPR1A):c.801A>C (p.Glu267Asp)

Gene: BMPR1A (bone morphogenetic protein receptor type 1A; plus strand). Cytogenetic location: 10q23.2.
Variant type: single nucleotide variant.
Coding change: c.801A>C on transcript NM_004329.3 (MANE Select); coding-DNA position 801, A replaced by C.
Protein change: p.Glu267Asp; replaces glutamic acid 267 with aspartic acid.
Molecular consequence: missense variant.
Genome position (GRCh38, 1-based): chr10:86,917,259, A>C. VCF-style: chr10-86917259-A-C. GRCh37 (hg19) VCF-style: chr10-88677016-A-C.
Other names: short protein forms E267D.
Identifiers: ClinVar variation 1058352 (VCV001058352.11), dbSNP rs2133576868, ClinGen allele CA377458267.